The following is an entry in ClinVar:

NM_013450.4(BAZ2B):c.2395T>G (p.Ser799Ala)

Gene: BAZ2B (bromodomain adjacent to zinc finger domain 2B; minus strand). Cytogenetic location: 2q24.2.
Variant type: single nucleotide variant.
Coding change: c.2395T>G on transcript NM_013450.4 (MANE Select); coding-DNA position 2395, T replaced by G.
Protein change: p.Ser799Ala; replaces serine 799 with alanine.
Molecular consequence: missense variant. On other transcripts: intron variant (2).
Genome position (GRCh38, 1-based): chr2:159,428,012, A>C on the plus strand (T>G on the coding strand, the complement: BAZ2B is on the minus strand). VCF-style: chr2-159428012-A-C. GRCh37 (hg19) VCF-style: chr2-160284523-A-C.
Other names: c.2206T>G, p.Ser736Ala (NM_001329857.2); c.2358+299T>G (NM_001289975.1); c.2364+299T>G (NM_001329858.2); short protein forms S736A, S799A.
Identifiers: ClinVar variation 4533938 (VCV004533938.6).

ClinVar aggregate classification (germline): Likely benign (1 of 4 stars; one submission).

gnomAD v4.1: 435 of 1,613,426 alleles (0.027%); highest among the groups gnomAD compares: South Asian, 0.46%; 7 homozygotes.

Submission:

CeGaT Center for Human Genetics Tuebingen
Classification: Likely benign. Last evaluated: 2025-11-01. Review status: criteria provided, single submitter. Criteria: CeGaT Center For Human Genetics Tuebingen Variant Classification Criteria Version 2. Collection method: clinical testing. Allele origin: germline. Affected: yes. Observed: 1 variant allele.
Comment: BAZ2B: BS2